The following is an entry in ClinVar:

NM_001297.5(CNGB1):c.1684G>A (p.Ala562Thr)

Gene: CNGB1 (cyclic nucleotide gated channel subunit beta 1; minus strand). Cytogenetic location: 16q21.
Variant type: single nucleotide variant.
Coding change: c.1684G>A on transcript NM_001297.5 (MANE Select); coding-DNA position 1684, G replaced by A.
Protein change: p.Ala562Thr; replaces alanine 562 with threonine.
Molecular consequence: missense variant.
Genome position (GRCh38, 1-based): chr16:57,920,504, C>T on the plus strand (G>A on the coding strand, the complement: CNGB1 is on the minus strand). VCF-style: chr16-57920504-C-T. GRCh37 (hg19) VCF-style: chr16-57954408-C-T.
Other names: c.1666G>A, p.Ala556Thr (NM_001286130.2); short protein forms A556T, A562T.
Identifiers: ClinVar variation 1516783 (VCV001516783.5), dbSNP rs571358157, ClinGen allele CA8083323.

ClinVar aggregate classification (germline): Uncertain significance (1 of 4 stars; one submission).

Allele frequency attached by ClinVar (database versions not stated): gnomAD 0.00001; gnomAD exomes 0.00001 and 0.00003; TOPMed 0.00001; ExAC 0.00002; 1000 Genomes Project 30x 0.00016; 1000 Genomes Project 0.00020.

Submission:

Labcorp Genetics (formerly Invitae), Labcorp
Classification: Uncertain significance. Last evaluated: 2024-10-23. Review status: criteria provided, single submitter. Criteria: Invitae Variant Classification Sherloc (09022015). Collection method: clinical testing. Allele origin: germline.
Comment: This sequence change replaces alanine, which is neutral and non-polar, with threonine, which is neutral and polar, at codon 562 of the CNGB1 protein (p.Ala562Thr). This variant is present in population databases (rs571358157, gnomAD 0.009%). This variant has not been reported in the literature in individuals affected with CNGB1-related conditions. ClinVar contains an entry for this variant (Variation ID: 1516783). Invitae Evidence Modeling of protein sequence and biophysical properties (such as structural, functional, and spatial information, amino acid conservation, physicochemical variation, residue mobility, and thermodynamic stability) indicates that this missense variant is not expected to disrupt CNGB1 protein function with a negative predictive value of 80%. In summary, the available evidence is currently insufficient to determine the role of this variant in disease. Therefore, it has been classified as a Variant of Uncertain Significance.